The following is an entry in ClinVar:

ClinVar aggregate classification (germline): Uncertain significance (0 of 4 stars; one submission).

Conditions:
COL4A4-related disorder.

Submission:

PreventionGenetics, part of Exact Sciences
Classification: Uncertain significance for COL4A4-related condition. Last evaluated: 2024-06-11. Review status: no assertion criteria provided. Collection method: clinical testing. Allele origin: germline.
Comment: The COL4A4 c.4523-3A>G variant is predicted to interfere with splicing. This variant is predicted to decrease the strength of the canonical splice acceptor site (SpliceAI, Jaganathan et al. 2019. PubMed ID: 30661751). To our knowledge, this variant has not been reported in the literature or in a large population database, indicating this variant is rare. At this time, the clinical significance of this variant is uncertain due to the absence of conclusive functional and genetic evidence.

NM_000092.5(COL4A4):c.4523-3A>G

Gene: COL4A4 (collagen type IV alpha 4 chain; minus strand). Cytogenetic location: 2q36.3.
Variant type: single nucleotide variant.
Coding change: c.4523-3A>G on transcript NM_000092.5 (MANE Select); 3 bases into the intron before coding-DNA position 4523, A replaced by G.
Molecular consequence: intron variant.
Genome position (GRCh38, 1-based): chr2:227,008,307, T>C on the plus strand (A>G on the coding strand, the complement: COL4A4 is on the minus strand). VCF-style: chr2-227008307-T-C. GRCh37 (hg19) VCF-style: chr2-227873023-T-C.
Identifiers: ClinVar variation 3347687 (VCV003347687.1).